The following is an entry in ClinVar:

NM_138615.3(DHX30):c.1426G>A (p.Val476Met)

Gene: DHX30 (DExH-box helicase 30; plus strand). Cytogenetic location: 3p21.31.
Variant type: single nucleotide variant.
Coding change: c.1426G>A on transcript NM_138615.3 (MANE Select); coding-DNA position 1426, G replaced by A.
Protein change: p.Val476Met; replaces valine 476 with methionine.
Molecular consequence: missense variant.
Genome position (GRCh38, 1-based): chr3:47,846,498, G>A. VCF-style: chr3-47846498-G-A. GRCh37 (hg19) VCF-style: chr3-47887988-G-A.
Other names: c.1342G>A, p.Val448Met (NM_001330990.2); c.1309G>A, p.Val437Met (NM_014966.4); short protein forms V437M, V448M, V476M.
Identifiers: ClinVar variation 4527300 (VCV004527300.1).

ClinVar aggregate classification (germline): Uncertain significance (1 of 4 stars; one submission).

Submission:

GeneDx
Classification: Uncertain significance. Last evaluated: 2025-04-22. Review status: criteria provided, single submitter. Criteria: GeneDx Variant Classification Process June 2021. Collection method: clinical testing. Allele origin: germline. Affected: yes.
Comment: Not observed at significant frequency in large population cohorts (gnomAD); In silico analysis indicates that this missense variant does not alter protein structure/function; Has not been previously published as pathogenic or benign to our knowledge